The following is an entry in ClinVar:

NM_001164586.2(IGFN1):c.6901G>A (p.Glu2301Lys)

Gene: IGFN1 (immunoglobulin like and fibronectin type III domain containing 1; plus strand). Cytogenetic location: 1q32.1.
Variant type: single nucleotide variant.
Coding change: c.6901G>A on transcript NM_001164586.2 (MANE Select); coding-DNA position 6901, G replaced by A.
Protein change: p.Glu2301Lys; replaces glutamic acid 2301 with lysine.
Molecular consequence: missense variant. On other transcripts: intron variant (1).
Genome position (GRCh38, 1-based): chr1:201,211,794, G>A. VCF-style: chr1-201211794-G-A. GRCh37 (hg19) VCF-style: chr1-201180922-G-A.
Other names: c.1242-1712G>A (NM_001367841.1); short protein forms E2301K.
Identifiers: ClinVar variation 3285561 (VCV003285561.2).

ClinVar aggregate classification (germline): Uncertain significance (1 of 4 stars; one submission).

gnomAD v4.1: 20 of 1,536,672 alleles (0.0013%); highest among the groups gnomAD compares: Admixed American, 0.016%; no homozygotes.

Submission:

Ambry Genetics
Classification: Uncertain significance. Last evaluated: 2026-08-17. Review status: criteria provided, single submitter. Criteria: Ambry Variant Classification Scheme 2023. Collection method: clinical testing. Allele origin: germline.
Comment: The c.6901G>A (p.E2301K) alteration is located in exon 12 (coding exon 11) of the IGFN1 gene. This alteration results from a G to A substitution at nucleotide position 6901, causing the glutamic acid (E) at amino acid position 2301 to be replaced by a lysine (K). Based on data from gnomAD, the A allele has an overall frequency of 0.005% (9/173038) total alleles studied. The highest observed frequency was 0.023% (2/8860) of European (Finnish) alleles. Based on insufficient or conflicting evidence, the clinical significance of this alteration remains unclear.